The following is an entry in ClinVar:

NM_002841.4(PTPRG):c.3766-12_3766-11insTTTTTTTTTTTTTTTTTTTT

Genes: PTPRG (protein tyrosine phosphatase receptor type G; plus strand), PTPRG-AS1 (PTPRG antisense RNA 1; minus strand). Cytogenetic location: 3p14.2.
Variant type: Insertion.
Coding change: c.3766-12_3766-11insTTTTTTTTTTTTTTTTTTTT on transcript NM_002841.4 (MANE Select); 12 bases into the intron before coding-DNA position 3766 through 11 bases into the intron before coding-DNA position 3766, TTTTTTTTTTTTTTTTTTTT inserted.
Molecular consequence: intron variant.
Genome position: GRCh38 VCF-style: chr3-62281538-C-CTTTTTTTTTTTTTTTTTTTT. GRCh37 (hg19) VCF-style: chr3-62267213-C-CTTTTTTTTTTTTTTTTTTTT.
Other names: c.3679-12_3679-11insTTTTTTTTTTTTTTTTTTTT (NM_001375471.1).
Identifiers: ClinVar variation 2653928 (VCV002653928.24), dbSNP rs60919586, ClinGen allele CA909097065.

ClinVar aggregate classification (germline): Likely benign (1 of 4 stars; one submission).

Submission:

CeGaT Center for Human Genetics Tuebingen
Classification: Likely benign. Last evaluated: 2023-01-01. Review status: criteria provided, single submitter. Criteria: CeGaT Center For Human Genetics Tuebingen Variant Classification Criteria Version 2. Collection method: clinical testing. Allele origin: germline. Affected: yes. Observed: 1 variant allele.
Comment: PTPRG: BS2; PTPRG-AS1: BS2